The following is an entry in ClinVar:

ClinVar aggregate classification (germline): Uncertain significance (1 of 4 stars; one submission).

Conditions:
Inborn genetic diseases. Identifiers: MedGen C0950123, MeSH D030342.

Submission:

Ambry Genetics
Classification: Uncertain significance for Inborn genetic diseases. Last evaluated: 2025-10-07. Review status: criteria provided, single submitter. Criteria: Ambry Variant Classification Scheme 2023. Collection method: clinical testing. Allele origin: germline.
Comment: The c.7672T>C (p.S2558P) alteration is located in exon 11 (coding exon 10) of the SRRM2 gene. This alteration results from a T to C substitution at nucleotide position 7672, causing the serine (S) at amino acid position 2558 to be replaced by a proline (P). Based on data from gnomAD, the C allele has an overall frequency of <0.001% (1/241822) total alleles studied. The highest observed frequency was 0.006% (1/16190) of African alleles. Based on insufficient or conflicting evidence, the clinical significance of this alteration remains unclear.

NM_016333.4(SRRM2):c.7672T>C (p.Ser2558Pro)

Gene: SRRM2 (serine/arginine repetitive matrix 2; plus strand). Cytogenetic location: 16p13.3.
Variant type: single nucleotide variant.
Coding change: c.7672T>C on transcript NM_016333.4 (MANE Select); coding-DNA position 7672, T replaced by C.
Protein change: p.Ser2558Pro; replaces serine 2558 with proline.
Molecular consequence: missense variant.
Genome position (GRCh38, 1-based): chr16:2,768,200, T>C. VCF-style: chr16-2768200-T-C. GRCh37 (hg19) VCF-style: chr16-2818201-T-C.
Other names: short protein forms S2558P.
Identifiers: ClinVar variation 4632286 (VCV004632286.1).